The following is an entry in ClinVar:

ClinVar aggregate classification (germline): Uncertain significance (1 of 4 stars; one submission).

Submission:

Labcorp Genetics (formerly Invitae), Labcorp
Classification: Uncertain significance. Last evaluated: 2023-08-10. Review status: criteria provided, single submitter. Criteria: Invitae Variant Classification Sherloc (09022015). Collection method: clinical testing. Allele origin: germline.
Comment: This sequence change replaces serine, which is neutral and polar, with glycine, which is neutral and non-polar, at codon 193 of the SLC12A2 protein (p.Ser193Gly). This variant is not present in population databases (gnomAD no frequency). This variant has not been reported in the literature in individuals affected with SLC12A2-related conditions. ClinVar contains an entry for this variant (Variation ID: 2108016). Advanced modeling of protein sequence and biophysical properties (such as structural, functional, and spatial information, amino acid conservation, physicochemical variation, residue mobility, and thermodynamic stability) performed at Invitae indicates that this missense variant is not expected to disrupt SLC12A2 protein function. In summary, the available evidence is currently insufficient to determine the role of this variant in disease. Therefore, it has been classified as a Variant of Uncertain Significance.

NM_001046.3(SLC12A2):c.577A>G (p.Ser193Gly)

Gene: SLC12A2 (solute carrier family 12 member 2; plus strand). Cytogenetic location: 5q23.3.
Variant type: single nucleotide variant.
Coding change: c.577A>G on transcript NM_001046.3 (MANE Select); coding-DNA position 577, A replaced by G.
Protein change: p.Ser193Gly; replaces serine 193 with glycine.
Molecular consequence: missense variant. On other transcripts: non-coding transcript variant (1).
Genome position (GRCh38, 1-based): chr5:128,084,531, A>G. VCF-style: chr5-128084531-A-G. GRCh37 (hg19) VCF-style: chr5-127420223-A-G.
Other names: c.577A>G, p.Ser193Gly (NM_001256461.2); short protein forms S193G.
Identifiers: ClinVar variation 2108016 (VCV002108016.4), dbSNP rs2480691669, ClinGen allele CA360736773.
Genomic context (GRCh38, chr5:128,084,531, plus strand): 5'-AACGGCGGGGACACGGTGCTGAGCGAGGGCAGCAGCCTGCACTCCGGCGGCGGCGGCGGC[A>G]GTGGGCACCACCAGCACTACTATTATGATACCCACACCAACACCTACTACCTGCGCACCT-3'
Protein context (NP_001037.1, residues 183-203): SSLHSGGGGG[Ser193Gly]GHHQHYYYDT